The following is an entry in ClinVar:

NM_001365906.3(PAPLN):c.825G>A (p.Ser275=)

Gene: PAPLN (papilin, proteoglycan like sulfated glycoprotein; plus strand). Cytogenetic location: 14q24.2.
Variant type: single nucleotide variant.
Coding change: c.825G>A on transcript NM_001365906.3 (MANE Select); coding-DNA position 825, G replaced by A.
Protein change: p.Ser275=; no amino-acid change (serine 275 retained).
Molecular consequence: synonymous variant. On other transcripts: non-coding transcript variant (2).
Genome position (GRCh38, 1-based): chr14:73,251,818, G>A. VCF-style: chr14-73251818-G-A. GRCh37 (hg19) VCF-style: chr14-73718526-G-A.
Other names: c.825G>A, p.Ser275= (NM_001365907.2); c.744G>A, p.Ser248= (NM_173462.4).
Identifiers: ClinVar variation 2644358 (VCV002644358.24), dbSNP rs375078700, ClinGen allele CA7257329.

ClinVar aggregate classification (germline): Likely benign (1 of 4 stars; one submission).

Allele frequency attached by ClinVar (database versions not stated): 1000 Genomes Project 30x 0.00016; 1000 Genomes Project 0.00020; ESP Exome Variant Server 0.00039; TOPMed 0.00079; gnomAD 0.00083; ExAC 0.00110; gnomAD exomes 0.00136.
gnomAD v4.1: 2,059 of 1,596,868 alleles (0.13%); highest among the groups gnomAD compares: Non-Finnish European, 0.17%; 1 homozygote.

Submission:

CeGaT Center for Human Genetics Tuebingen
Classification: Likely benign. Last evaluated: 2022-03-01. Review status: criteria provided, single submitter. Criteria: CeGaT Center For Human Genetics Tuebingen Variant Classification Criteria Version 2. Collection method: clinical testing. Allele origin: germline. Affected: yes. Observed: 1 variant allele.
Comment: PAPLN: BP4, BP7